The following is an entry in ClinVar:

NM_000051.4(ATM):c.824_825insTTTTTTTTTTTTTTTTTTTTNNNNNNNNNNTGACCTCGTGATCCGCCCGCCTCGGCCTCCCAAAGTGCTGGGATTACAGGCGTGAGCCACCGCGCCCGGCCTGATTCTTT (p.Leu275delinsPhePhePhePhePhePhePheXaaXaaXaaXaaAspLeuValIleArgProProArgProProLysValLeuGlyLeuGlnAlaTer)

Gene: ATM (ATM serine/threonine kinase; plus strand). Cytogenetic location: 11q22.3.
Variant type: Insertion.
Coding change: c.824_825insTTTTTTTTTTTTTTTTTTTTNNNNNNNNNNTGACCTCGTGATCCGCCCGCCTCGGCCTCCCAAAGTGCTGGGATTACAGGCGTGAGCCACCGCGCCCGGCCTGATTCTTT on transcript NM_000051.4 (MANE Select); coding-DNA positions 824 to 825, TTTTTTTTTTTTTTTTTTTTNNNNNNNNNNTGACCTCGTGATCCGCCCGCCTCGGCCTCCCAAAGTGCTGGGATTACAGGCGTGAGCCACCGCGCCCGGCCTGATTCTTT inserted.
Protein change: p.Leu275delinsPhePhePhePhePhePhePheXaaXaaXaaXaaAspLeuValIleArgProProArgProProLysValLeuGlyLeuGlnAlaTer.
Molecular consequence: nonsense.
Genome position: GRCh38: chr11:108,244,949-108,244,950. GRCh37 (hg19): chr11:108,115,676-108,115,677.
Other names: c.824_825insTTTTTTTTTTTTTTTTTTTTNNNNNNNNNNTGACCTCGTGATCCGCCCGCCTCGGCCTCCCAAAGTGCTGGGATTACAGGCGTGAGCCACCGCGCCCGGCCTGATTCTTT, p.Leu275delinsPhePhePhePhePhePhePheXaaXaaXaaXaaAspLeuValIleArgProProArgProProLysValLeuGlyLeuGlnAlaTer (NM_001351834.2).
Identifiers: ClinVar variation 3722894 (VCV003722894.2).

ClinVar aggregate classification (germline): Pathogenic (1 of 4 stars; one submission).

Conditions:
Ataxia-telangiectasia syndrome (AT). Also called: ATAXIA-TELANGIECTASIA, COMPLEMENTATION GROUP A; ATAXIA-TELANGIECTASIA, FRESNO VARIANT; Ataxia-telangiectasia; Ataxia-telangiectasia, complementation group E; Ataxia telangiectasia (A-T); LOUIS-BAR SYNDROME. Identifiers: Orphanet 100, MedGen C0004135, MONDO:0008840, OMIM 208900.

Submission:

Labcorp Genetics (formerly Invitae), Labcorp
Classification: Pathogenic for Ataxia-telangiectasia syndrome. Last evaluated: 2024-10-14. Review status: criteria provided, single submitter. Criteria: Invitae Variant Classification Sherloc (09022015). Collection method: clinical testing. Allele origin: germline.
Comment: This sequence change inserts a large fragment of DNA, likely a transposable element, in exon 7 of the ATM gene (c.824_825ins?), causing a frameshift at codon 275 (p.Leu275fs). The exact size and sequence of the insertion cannot be determined by the current assay. However, the insertion is expected to result in an absent or disrupted protein product. This variant is not present in population databases (gnomAD no frequency). This variant has not been reported in the literature in individuals affected with ATM-related conditions. Retrotransposon insertions including LINE1 (L1), Alu, and SVA (SINE-VNTR-Alu) have been reported to be disease-causing through disruption of either a coding region or splice site (PMID: 19763152, 20307669, 22406018) and loss-of-function variants in ATM are known to be pathogenic (PMID: 23807571, 25614872). For these reasons, this variant has been classified as Pathogenic.

Literature cited by the submitters: PubMed 19763152; PubMed 20307669; PubMed 22406018; PubMed 23807571; PubMed 25614872.